The following is an entry in ClinVar:

NM_001267550.2(TTN):c.80635C>A (p.Gln26879Lys)

Genes: TTN-AS1 (TTN antisense RNA 1; plus strand), TTN (titin; minus strand). Cytogenetic location: 2q31.2.
Variant type: single nucleotide variant.
Coding change: c.80635C>A on transcript NM_001267550.2 (MANE Select); coding-DNA position 80635, C replaced by A.
Protein change: p.Gln26879Lys; replaces glutamine 26879 with lysine.
Molecular consequence: missense variant.
Genome position (GRCh38, 1-based): chr2:178,565,497, G>T on the plus strand (C>A on the coding strand, the complement: TTN is on the minus strand). VCF-style: chr2-178565497-G-T. GRCh37 (hg19) VCF-style: chr2-179430224-G-T.
Other names: p.Q25238K:CAG>AAG; c.75712C>A, p.Gln25238Lys (NM_001256850.1); c.53440C>A, p.Gln17814Lys (NM_003319.4); c.72931C>A, p.Gln24311Lys (NM_133378.4); c.53815C>A, p.Gln17939Lys (NM_133432.3); c.54016C>A, p.Gln18006Lys (NM_133437.4); short protein forms Q26879K, Q24311K, Q25238K, Q17814K, Q17939K, Q18006K.
Identifiers: ClinVar variation 47390 (VCV000047390.83), dbSNP rs79926414, ClinGen allele CA283854.

ClinVar aggregate classification (germline): Benign/Likely benign. Review status: criteria provided, multiple submitters, no conflicts (2 of 4 stars). 29 submissions from 22 submitters: Benign (17); Likely benign (5). 7 of the submissions do not count toward it. Last evaluated 2026-02-03.

Conditions:
TTN-related disorder. Also called: TTN-related disorders; TTN-related condition; TTN-related disease.
Dilated cardiomyopathy 1G (CMD1G). Identifiers: Orphanet 154, MedGen C1858763, MONDO:0011400, OMIM 604145.
Autosomal recessive limb-girdle muscular dystrophy type 2J (LGMDR10). Also called: MUSCULAR DYSTROPHY, LIMB-GIRDLE, AUTOSOMAL RECESSIVE 10; Limb-girdle muscular dystrophy, type 2J. Identifiers: Orphanet 140922, MedGen C1837342, MONDO:0012127, OMIM 608807.
Cardiovascular phenotype. Identifiers: MedGen CN230736.
Cardiomyopathy (CMYO). Also called: Cardiomyopathies. Identifiers: Orphanet 167848, MedGen C0878544, MONDO:0004994, HP:0001638. Inheritance: Various modes of inheritance.
Early-onset myopathy with fatal cardiomyopathy (CMYO5). Also called: CONGENITAL MYOPATHY 5 WITH CARDIOMYOPATHY; Salih Myopathy. Identifiers: Orphanet 289377, MedGen C2673677, MONDO:0012714, OMIM 611705. Disease mechanism: loss of function.
Myopathy, myofibrillar, 9, with early respiratory failure (MFM9). Also called: Myopathy, distal, with early respiratory failure, autosomal dominant; Hereditary myopathy with early respiratory failure; MYOPATHY, PROXIMAL, WITH EARLY RESPIRATORY MUSCLE INVOLVEMENT; EDSTROM MYOPATHY. Identifiers: Orphanet 178464, Orphanet 34521, MedGen C1863599, MONDO:0011362, OMIM 603689.
Tibial muscular dystrophy (TMD). Also called: Udd Distal Myopathy – Tibial Muscular Dystrophy; Tibial muscular dystrophy, tardive; UDD MYOPATHY. Identifiers: Orphanet 609, MedGen C1838244, MONDO:0010870, OMIM 600334.
Hypertrophic cardiomyopathy. Also called: HYPERTROPHIC MYOCARDIOPATHY. Identifiers: Orphanet 217569, MedGen C0007194, MeSH D002312, MONDO:0005045, HP:0001639.

Allele frequency attached by ClinVar (database versions not stated): ESP Exome Variant Server 0.01485; gnomAD 0.01477 and 0.01384; TOPMed 0.01600; gnomAD exomes 0.00343; ExAC 0.00445; 1000 Genomes Project 0.01577; 1000 Genomes Project 30x 0.01718.
gnomAD v4.1: 4,308 of 1,613,330 alleles (0.27%); highest among the groups gnomAD compares: African/African-American, 5%; 106 homozygotes.

Submissions 1 to 20 of 29:

Labcorp Genetics (formerly Invitae), Labcorp
Classification: Benign for Dilated cardiomyopathy 1G; Autosomal recessive limb-girdle muscular dystrophy type 2J. Last evaluated: 2026-02-03. Review status: criteria provided, single submitter. Criteria: Invitae Variant Classification Sherloc (09022015). Collection method: clinical testing. Allele origin: germline.

ARUP Laboratories, Molecular Genetics and Genomics, ARUP Laboratories
Classification: Benign. Last evaluated: 2025-07-08. Review status: criteria provided, single submitter. Criteria: ARUP Molecular Germline Variant Investigation Process 2024. Collection method: clinical testing. Allele origin: germline.

Molecular Diagnostic Laboratory for Inherited Cardiovascular Disease, Montreal Heart Institute
Classification: Benign. Last evaluated: 2025-04-09. Review status: criteria provided, single submitter. Criteria: ACMG Guidelines, 2015. Collection method: clinical testing. Allele origin: germline. Affected: no.

CHEO Genetics Diagnostic Laboratory, Children's Hospital of Eastern Ontario
Classification: Benign for Cardiomyopathy. Last evaluated: 2023-05-16. Review status: criteria provided, single submitter. Criteria: ACMG Guidelines, 2015. Collection method: clinical testing. Allele origin: germline.

CeGaT Center for Human Genetics Tuebingen
Classification: Likely benign. Last evaluated: 2022-09-01. Review status: criteria provided, single submitter. Criteria: CeGaT Center For Human Genetics Tuebingen Variant Classification Criteria Version 2. Collection method: clinical testing. Allele origin: germline. Affected: yes. Observed: 4 variant alleles.
Comment: TTN: BP4

Genome-Nilou Lab
Classification: Benign for Autosomal recessive limb-girdle muscular dystrophy type 2J. Last evaluated: 2021-09-10. Review status: criteria provided, single submitter. Criteria: ACMG Guidelines, 2015. Collection method: clinical testing. Allele origin: germline. Affected: no.

Genome-Nilou Lab
Classification: Benign for Myopathy, myofibrillar, 9, with early respiratory failure. Last evaluated: 2021-09-10. Review status: criteria provided, single submitter. Criteria: ACMG Guidelines, 2015. Collection method: clinical testing. Allele origin: germline. Affected: no.

Genome-Nilou Lab
Classification: Benign for Early-onset myopathy with fatal cardiomyopathy. Last evaluated: 2021-09-10. Review status: criteria provided, single submitter. Criteria: ACMG Guidelines, 2015. Collection method: clinical testing. Allele origin: germline. Affected: no.

Genome-Nilou Lab
Classification: Benign for Tibial muscular dystrophy. Last evaluated: 2021-09-10. Review status: criteria provided, single submitter. Criteria: ACMG Guidelines, 2015. Collection method: clinical testing. Allele origin: germline. Affected: no.

Women's Health and Genetics/Laboratory Corporation of America, LabCorp
Classification: Likely benign. Last evaluated: 2020-10-17. Review status: criteria provided, single submitter. Criteria: LabCorp Variant Classification Summary - May 2015. Collection method: clinical testing. Allele origin: germline.

Clinical Molecular Genetics Laboratory, Johns Hopkins All Children's Hospital
Classification: Likely benign for Hypertrophic cardiomyopathy. Last evaluated: 2019-01-02. Review status: criteria provided, single submitter. Criteria: ACMG Guidelines, 2015. Collection method: clinical testing. Allele origin: germline. Affected: yes.

Mayo Clinic Laboratories, Mayo Clinic
Classification: Benign. Last evaluated: 2018-05-23. Review status: criteria provided, single submitter. Criteria: ACMG Guidelines, 2015. Collection method: clinical testing. Allele origin: germline. Observed: 34 variant alleles.

Illumina Laboratory Services, Illumina
Classification: Benign for Autosomal recessive limb-girdle muscular dystrophy type 2J. Last evaluated: 2018-01-13. Review status: criteria provided, single submitter. Criteria: ICSL Variant Classification Criteria 13 December 2019. Collection method: clinical testing. Allele origin: germline.
Comment: This variant was observed in the ICSL laboratory as part of a predisposition screen in an ostensibly healthy population. It had not been previously curated by ICSL or reported in the Human Gene Mutation Database (HGMD: prior to June 1st, 2018), and was therefore a candidate for classification through an automated scoring system. Utilizing variant allele frequency, disease prevalence and penetrance estimates, and inheritance mode, an automated score was calculated to assess if this variant is too frequent to cause the disease. Based on the score and internal cut-off values, a variant classified as benign is not then subjected to further curation. The score for this variant resulted in a classification of benign for this disease.

Illumina Laboratory Services, Illumina
Classification: Benign for Myopathy, myofibrillar, 9, with early respiratory failure. Last evaluated: 2018-01-13. Review status: criteria provided, single submitter. Criteria: ICSL Variant Classification Criteria 13 December 2019. Collection method: clinical testing. Allele origin: germline.
Comment: the same text as in the submission from Illumina Laboratory Services, Illumina above.

Illumina Laboratory Services, Illumina
Classification: Benign for Early-onset myopathy with fatal cardiomyopathy. Last evaluated: 2018-01-13. Review status: criteria provided, single submitter. Criteria: ICSL Variant Classification Criteria 13 December 2019. Collection method: clinical testing. Allele origin: germline.
Comment: the same text as in the submission from Illumina Laboratory Services, Illumina above.

Illumina Laboratory Services, Illumina
Classification: Likely benign for Dilated cardiomyopathy 1G. Last evaluated: 2018-01-13. Review status: criteria provided, single submitter. Criteria: ICSL Variant Classification Criteria 13 December 2019. Collection method: clinical testing. Allele origin: germline.
Comment: This variant was observed in the ICSL laboratory as part of a predisposition screen in an ostensibly healthy population. It had not been previously curated by ICSL or reported in the Human Gene Mutation Database (HGMD: prior to June 1st, 2018), and was therefore a candidate for classification through an automated scoring system. Utilizing variant allele frequency, disease prevalence and penetrance estimates, and inheritance mode, an automated score was calculated to assess if this variant is too frequent to cause the disease. Based on the score and internal cut-off values, a variant classified as likely benign is not then subjected to further curation. The score for this variant resulted in a classification of likely benign for this disease.

Illumina Laboratory Services, Illumina
Classification: Benign for Tibial muscular dystrophy. Last evaluated: 2018-01-13. Review status: criteria provided, single submitter. Criteria: ICSL Variant Classification Criteria 13 December 2019. Collection method: clinical testing. Allele origin: germline.
Comment: the same text as in the submission from Illumina Laboratory Services, Illumina above.

Ambry Genetics
Classification: Benign for Cardiovascular phenotype. Last evaluated: 2015-07-08. Review status: criteria provided, single submitter. Criteria: Ambry Variant Classification Scheme 2023. Collection method: clinical testing. Allele origin: germline.

Biesecker Lab/Clinical Genomics Section, National Institutes of Health
Classification: Benign. Last evaluated: 2013-06-24. Review status: criteria provided, single submitter. Criteria: Ng et al. (Circ Cardiovasc Genet. 2013). Collection method: research. Allele origin: unknown. Observed: 4 variant alleles. Study: ClinSeq.
Comment: The study set was not selected for affection status in relation to any cancer. Pathogenicity categories were based on literature curation. See Pubmed ID:23861362 for details.

Medical sequencing

GeneDx
Classification: Benign. Last evaluated: 2012-10-26. Review status: criteria provided, single submitter. Criteria: GeneDx Variant Classification (06012015). Collection method: clinical testing. Allele origin: germline. Affected: yes.
Comment: This variant is considered likely benign or benign based on one or more of the following criteria: it is a conservative change, it occurs at a poorly conserved position in the protein, it is predicted to be benign by multiple in silico algorithms, and/or has population frequency not consistent with disease.